The following is an entry in ClinVar:

NM_006204.4(PDE6C):c.1120-8G>A

Gene: PDE6C (phosphodiesterase 6C; plus strand). Cytogenetic location: 10q23.33.
Variant type: single nucleotide variant.
Coding change: c.1120-8G>A on transcript NM_006204.4 (MANE Select); 8 bases into the intron before coding-DNA position 1120, G replaced by A.
Molecular consequence: intron variant.
Genome position (GRCh38, 1-based): chr10:93,634,750, G>A. VCF-style: chr10-93634750-G-A. GRCh37 (hg19) VCF-style: chr10-95394507-G-A.
Other names: c.1120-8G>A (NM_006204.3).
Identifiers: ClinVar variation 1089744 (VCV001089744.11), dbSNP rs577129919, ClinGen allele CA5610093.

ClinVar aggregate classification (germline): Likely benign. Review status: criteria provided, multiple submitters, no conflicts (2 of 4 stars). 3 submissions from 3 submitters: Likely benign (3). Last evaluated 2024-11-26.

Conditions:
PDE6C-related disorder. Also called: PDE6C-related condition.

Allele frequency attached by ClinVar (database versions not stated): gnomAD 0.00001 and 0.00002; TOPMed 0.00002; gnomAD exomes 0.00003; ExAC 0.00004; 1000 Genomes Project 30x 0.00016; 1000 Genomes Project 0.00020.
gnomAD v4.1: 32 of 1,613,902 alleles (0.002%); highest among the groups gnomAD compares: Admixed American, 0.0067%; no homozygotes.

Submissions (3):

PreventionGenetics, part of Exact Sciences
Classification: Likely benign for PDE6C-related condition. Last evaluated: 2024-11-26. Review status: criteria provided, single submitter. Criteria: ACMG Guidelines, 2015. Collection method: clinical testing. Allele origin: germline.
Comment: This variant is classified as likely benign based on ACMG/AMP sequence variant interpretation guidelines (Richards et al. 2015 PMID: 25741868, with internal and published modifications).

Blueprint Genetics
Classification: Likely benign. Last evaluated: 2024-06-07. Review status: criteria provided, single submitter. Criteria: ACMG Guidelines, 2015. Collection method: clinical testing. Allele origin: germline.

Labcorp Genetics (formerly Invitae), Labcorp
Classification: Likely benign. Last evaluated: 2022-09-30. Review status: criteria provided, single submitter. Criteria: Invitae Variant Classification Sherloc (09022015). Collection method: clinical testing. Allele origin: germline.